The following is an entry in ClinVar:

ClinVar aggregate classification (germline): Uncertain significance (1 of 4 stars; one submission).

Conditions:
Cardiovascular phenotype. Identifiers: MedGen CN230736.

Submission:

Ambry Genetics
Classification: Uncertain significance for Cardiovascular phenotype. Last evaluated: 2025-11-29. Review status: criteria provided, single submitter. Criteria: Ambry Variant Classification Scheme 2023. Collection method: clinical testing. Allele origin: germline.
Comment: The p.F45S variant (also known as c.134T>C), located in coding exon 2 of the SPRED1 gene, results from a T to C substitution at nucleotide position 134. The phenylalanine at codon 45 is replaced by serine, an amino acid with highly dissimilar properties. This amino acid position is conserved. In addition, the in silico prediction for this alteration is inconclusive. Based on the available evidence, the clinical significance of this variant remains unclear.

NM_152594.3(SPRED1):c.134T>C (p.Phe45Ser)

Gene: SPRED1 (sprouty related EVH1 domain containing 1; plus strand). Cytogenetic location: 15q14.
Variant type: single nucleotide variant.
Coding change: c.134T>C on transcript NM_152594.3 (MANE Select); coding-DNA position 134, T replaced by C.
Protein change: p.Phe45Ser; replaces phenylalanine 45 with serine.
Molecular consequence: missense variant.
Genome position (GRCh38, 1-based): chr15:38,299,474, T>C. VCF-style: chr15-38299474-T-C. GRCh37 (hg19) VCF-style: chr15-38591675-T-C.
Other names: short protein forms F45S.
Identifiers: ClinVar variation 4615044 (VCV004615044.1).
Genomic context (GRCh38, chr15:38,299,474, plus strand): 5'-ATGACTCAAGTGGTGGATGGTTACCACTTGGAGGGAGTGGACTAAGCAGCGTCACTGTCT[T>C]CAAAGTCCCTCATCAGGAAGAGAATGGCTGTGCTGACTTTTTTATCCGTGGAGAGCGACT-3'
Protein context (NP_689807.1, residues 35-55): GGSGLSSVTV[Phe45Ser]KVPHQEENGC